The following is an entry in ClinVar:

NM_130811.4(SNAP25):c.596C>G (p.Ala199Gly)

Gene: SNAP25 (synaptosome associated protein 25; plus strand). Cytogenetic location: 20p12.2.
Variant type: single nucleotide variant.
Coding change: c.596C>G on transcript NM_130811.4 (MANE Select); coding-DNA position 596, C replaced by G.
Protein change: p.Ala199Gly; replaces alanine 199 with glycine.
Molecular consequence: missense variant.
Genome position (GRCh38, 1-based): chr20:10,306,172, C>G. VCF-style: chr20-10306172-C-G. GRCh37 (hg19) VCF-style: chr20-10286820-C-G.
Other names: c.596C>G (NM_003081.3); c.596C>G, p.Ala199Gly (NM_001322910.2, NM_003081.5, NM_001322902.2 and 7 more transcripts); short protein forms A199G.
Identifiers: ClinVar variation 1285526 (VCV001285526.4), dbSNP rs2123205311, ClinGen allele CA408266902.

ClinVar aggregate classification (germline): Pathogenic/Likely pathogenic. Review status: criteria provided, multiple submitters, no conflicts (2 of 4 stars). 2 submissions from 2 submitters: Pathogenic (1); Likely pathogenic (1). Last evaluated 2023-04-20.

Conditions:
Severe intellectual disability. Identifiers: MedGen C0036857, HP:0010864.
Developmental and epileptic encephalopathy. Identifiers: MedGen C5779964, MONDO:0100620.

Submissions (2):

Duke University Health System Sequencing Clinic, Duke University Health System
Classification: Pathogenic for Severe intellectual disability. Last evaluated: 2023-04-20. Review status: criteria provided, single submitter. Criteria: ACMG Guidelines, 2015. Collection method: research. Allele origin: de novo. Affected: yes.

Institute of Human Genetics, University of Leipzig Medical Center
Classification: Likely pathogenic for Early-infantile DEE. Last evaluated: 2020-07-15. Review status: criteria provided, single submitter. Criteria: ACMG Guidelines, 2015. Collection method: clinical testing. Allele origin: de novo. Affected: yes.
Comment: This variant was identified as de novo (maternity and paternity confirmed).

Literature cited by the submitters: PubMed 33299146 (cited by Duke University Health System Sequencing Clinic, Duke University Health System and Institute of Human Genetics, University of Leipzig Medical Center).